The following is an entry in ClinVar:

NM_022168.4(IFIH1):c.1795G>A (p.Val599Ile)

Gene: IFIH1 (interferon induced with helicase C domain 1; minus strand). Cytogenetic location: 2q24.2.
Variant type: single nucleotide variant.
Coding change: c.1795G>A on transcript NM_022168.4 (MANE Select); coding-DNA position 1795, G replaced by A.
Protein change: p.Val599Ile; replaces valine 599 with isoleucine.
Molecular consequence: missense variant.
Genome position (GRCh38, 1-based): chr2:162,277,664, C>T on the plus strand (G>A on the coding strand, the complement: IFIH1 is on the minus strand). VCF-style: chr2-162277664-C-T. GRCh37 (hg19) VCF-style: chr2-163134174-C-T.
Other names: short protein forms V599I.
Identifiers: ClinVar variation 3763758 (VCV003763758.2).
Genomic context (GRCh38, chr2:162,277,664, plus strand): 5'-TTCGAATTGTGTCATTAATTTGTAGGGCCTCATTGTACTTCCTCAAATGTTCTGCACAAA[C>T]ACGTTCTTTGCGATTTCCTTCTTTTGCAGCTGTGAAAAAATATATTATGTAAGTGAAATA-3'
Protein context (NP_071451.2, residues 589-609): AAKEGNRKER[Val599Ile]CAEHLRKYNE

ClinVar aggregate classification (germline): Uncertain significance (1 of 4 stars; one submission).

Conditions:
Aicardi-Goutieres syndrome 7 (AGS7). Identifiers: Orphanet 51, MedGen C3888244, MONDO:0014367, OMIM 615846.
Singleton-Merten syndrome 1 (SGMRT1). Also called: Widened medullary cavities of bone, aortic calcification, abnormal dentition, and muscular weakness; Syndrome of widened medullary cavities of the metacarpals and phalanges, aortic calcification and abnormal dentition. Identifiers: Orphanet 85191, MedGen C4225427, MONDO:0024535, OMIM 182250.

Submission:

Labcorp Genetics (formerly Invitae), Labcorp
Classification: Uncertain significance for Aicardi-Goutieres syndrome 7; Singleton-Merten syndrome 1. Last evaluated: 2024-01-29. Review status: criteria provided, single submitter. Criteria: Invitae Variant Classification Sherloc (09022015). Collection method: clinical testing. Allele origin: germline.
Comment: This sequence change replaces valine, which is neutral and non-polar, with isoleucine, which is neutral and non-polar, at codon 599 of the IFIH1 protein (p.Val599Ile). This variant is not present in population databases (gnomAD no frequency). This variant has not been reported in the literature in individuals affected with IFIH1-related conditions. Advanced modeling of protein sequence and biophysical properties (such as structural, functional, and spatial information, amino acid conservation, physicochemical variation, residue mobility, and thermodynamic stability) has been performed at Invitae for this missense variant, however the output from this modeling did not meet the statistical confidence thresholds required to predict the impact of this variant on IFIH1 protein function. In summary, the available evidence is currently insufficient to determine the role of this variant in disease. Therefore, it has been classified as a Variant of Uncertain Significance.